The following is an entry in ClinVar:

ClinVar aggregate classification (germline): Benign (1 of 4 stars; one submission).

Conditions:
Multiple cutaneous and mucosal venous malformations (VMCM). Also called: TEK-Related Multiple Cutaneous and Mucosal Venous Malformations (VMCM). Identifiers: Orphanet 2451, MedGen C1838437, MONDO:0010842, OMIM 600195.

Allele frequency attached by ClinVar (database versions not stated): 1000 Genomes Project 30x 0.00156; 1000 Genomes Project 0.00140; TOPMed 0.00227; gnomAD exomes 0.00197; gnomAD 0.00222 and 0.00231.

Submission:

Illumina Laboratory Services, Illumina
Classification: Benign for Multiple cutaneous and mucosal venous malformations. Last evaluated: 2018-01-12. Review status: criteria provided, single submitter. Criteria: ICSL Variant Classification Criteria 13 December 2019. Collection method: clinical testing. Allele origin: germline.
Comment: This variant was observed in the ICSL laboratory as part of a predisposition screen in an ostensibly healthy population. It had not been previously curated by ICSL or reported in the Human Gene Mutation Database (HGMD: prior to June 1st, 2018), and was therefore a candidate for classification through an automated scoring system. Utilizing variant allele frequency, disease prevalence and penetrance estimates, and inheritance mode, an automated score was calculated to assess if this variant is too frequent to cause the disease. Based on the score and internal cut-off values, a variant classified as benign is not then subjected to further curation. The score for this variant resulted in a classification of benign for this disease.

NM_000459.5(TEK):c.*484C>G

Gene: TEK (TEK receptor tyrosine kinase; plus strand). Cytogenetic location: 9p21.2.
Variant type: single nucleotide variant.
Coding change: c.*484C>G on transcript NM_000459.5 (MANE Select); 484 bases downstream of the stop codon, C replaced by G.
Molecular consequence: 3 prime UTR variant.
Genome position (GRCh38, 1-based): chr9:27,229,716, C>G. VCF-style: chr9-27229716-C-G. GRCh37 (hg19) VCF-style: chr9-27229714-C-G.
Other names: c.*484C>G (NM_001290077.2, NM_001290078.2, NM_001375475.1 and 1 more transcripts).
Identifiers: ClinVar variation 366466 (VCV000366466.5), dbSNP rs192476871, ClinGen allele CA10629867.